The following is an entry in ClinVar:

ClinVar aggregate classification (germline): Uncertain significance (1 of 4 stars; one submission).

Conditions:
Hereditary spastic paraplegia 11. Also called: Spastic paraplegia, mental retardation and thin corpus callosum; Nakamura Osame syndrome; Autosomal recessive hereditary spastic paraplegia, mental impairment, and thin corpus callosum; SPASTIC PARAPLEGIA, AUTOSOMAL RECESSIVE, COMPLICATED, WITH THIN CORPUS CALLOSUM; SPASTIC PARAPLEGIA, AUTOSOMAL RECESSIVE, WITH MENTAL IMPAIRMENT AND THIN CORPUS CALLOSUM; Spastic Paraplegia 11. Identifiers: Orphanet 2822, MedGen C1858479, MONDO:0011445, OMIM 604360.

Submission:

Labcorp Genetics (formerly Invitae), Labcorp
Classification: Uncertain significance for Hereditary spastic paraplegia 11. Last evaluated: 2024-02-20. Review status: criteria provided, single submitter. Criteria: Invitae Variant Classification Sherloc (09022015). Collection method: clinical testing. Allele origin: germline.
Comment: This sequence change replaces alanine, which is neutral and non-polar, with threonine, which is neutral and polar, at codon 2340 of the SPG11 protein (p.Ala2340Thr). This variant is not present in population databases (gnomAD no frequency). This variant has not been reported in the literature in individuals affected with SPG11-related conditions. ClinVar contains an entry for this variant (Variation ID: 1914931). Advanced modeling of protein sequence and biophysical properties (such as structural, functional, and spatial information, amino acid conservation, physicochemical variation, residue mobility, and thermodynamic stability) performed at Invitae indicates that this missense variant is expected to disrupt SPG11 protein function with a positive predictive value of 80%. Algorithms developed to predict the effect of sequence changes on RNA splicing suggest that this variant may create or strengthen a splice site. In summary, the available evidence is currently insufficient to determine the role of this variant in disease. Therefore, it has been classified as a Variant of Uncertain Significance.

NM_025137.4(SPG11):c.7018G>A (p.Ala2340Thr)

Gene: SPG11 (SPG11 vesicle trafficking associated, spatacsin; minus strand). Cytogenetic location: 15q21.1.
Variant type: single nucleotide variant.
Coding change: c.7018G>A on transcript NM_025137.4 (MANE Select); coding-DNA position 7018, G replaced by A.
Protein change: p.Ala2340Thr; replaces alanine 2340 with threonine.
Molecular consequence: missense variant.
Genome position (GRCh38, 1-based): chr15:44,564,680, C>T on the plus strand (G>A on the coding strand, the complement: SPG11 is on the minus strand). VCF-style: chr15-44564680-C-T. GRCh37 (hg19) VCF-style: chr15-44856878-C-T.
Other names: c.6679G>A, p.Ala2227Thr (NM_001160227.2); c.6874G>A, p.Ala2292Thr (NM_001411132.1); short protein forms A2340T, A2292T, A2227T.
Identifiers: ClinVar variation 1914931 (VCV001914931.5), dbSNP rs1375685761, ClinGen allele CA392212971.